The following is an entry in ClinVar:

NM_000492.4(CFTR):c.4258A>G (p.Lys1420Glu)

Genes: CFTR (CF transmembrane conductance regulator; plus strand), LOC111674477 (CFTR intron 23 enhancer; plus strand). Cytogenetic location: 7q31.2.
Variant type: single nucleotide variant.
Coding change: c.4258A>G on transcript NM_000492.4 (MANE Select); coding-DNA position 4258, A replaced by G.
Protein change: p.Lys1420Glu; replaces lysine 1420 with glutamic acid.
Molecular consequence: missense variant.
Genome position (GRCh38, 1-based): chr7:117,666,923, A>G. VCF-style: chr7-117666923-A-G. GRCh37 (hg19) VCF-style: chr7-117306977-A-G.
Other names: short protein forms K1420E.
Identifiers: ClinVar variation 3231913 (VCV003231913.1), dbSNP rs2485185460, ClinGen allele CA368984430.

ClinVar aggregate classification (germline): Uncertain significance (1 of 4 stars; one submission).

Conditions:
Cystic fibrosis (CF). Also called: MUCOVISCIDOSIS. Identifiers: Orphanet 586, MedGen C0010674, MONDO:0009061, OMIM 219700. Disease mechanism: loss of function.

Submission:

Ambry Genetics
Classification: Uncertain significance for Cystic fibrosis. Last evaluated: 2023-12-14. Review status: criteria provided, single submitter. Criteria: Ambry Variant Classification Scheme 2023. Collection method: clinical testing. Allele origin: germline.
Comment: The p.K1420E variant (also known as c.4258A>G), located in coding exon 27 of the CFTR gene, results from an A to G substitution at nucleotide position 4258. The lysine at codon 1420 is replaced by glutamic acid, an amino acid with similar properties. This amino acid position is conserved. In addition, this alteration is predicted to be tolerated by in silico analysis. Since supporting evidence is limited at this time, the clinical significance of this alteration remains unclear.